The following is an entry in ClinVar:

NM_001077350.3(NPRL3):c.965C>T (p.Ala322Val)

Genes: HBA-LCR (alpha-globin locus control region; plus strand), NPRL3 (NPR3 like, GATOR1 complex subunit; minus strand). Cytogenetic location: 16p13.3.
Variant type: single nucleotide variant.
Coding change: c.965C>T on transcript NM_001077350.3 (MANE Select); coding-DNA position 965, C replaced by T.
Protein change: p.Ala322Val; replaces alanine 322 with valine.
Molecular consequence: missense variant.
Genome position (GRCh38, 1-based): chr16:93,285, G>A on the plus strand (C>T on the coding strand, the complement: NPRL3 is on the minus strand). VCF-style: chr16-93285-G-A. GRCh37 (hg19) VCF-style: chr16-143283-G-A.
Other names: c.731C>T, p.Ala244Val (NM_001243247.2); c.890C>T, p.Ala297Val (NM_001243248.2, NM_001243249.2); c.428C>T, p.Ala143Val (NM_001039476.3); short protein forms A143V, A244V, A297V, A322V.
Identifiers: ClinVar variation 5018179 (VCV005018179.1).

ClinVar aggregate classification (germline): Uncertain significance (1 of 4 stars; one submission).

Submission:

GeneDx
Classification: Uncertain significance. Last evaluated: 2026-04-04. Review status: criteria provided, single submitter. Criteria: GeneDx Variant Classification Process June 2021. Collection method: clinical testing. Allele origin: germline.
Comment: Not observed at significant frequency in large population cohorts (gnomAD); In silico analysis supports that this missense variant has a deleterious effect on protein structure/function; Has not been previously published as pathogenic or benign to our knowledge